The following is an entry in ClinVar:

NM_004793.4(LONP1):c.2161C>G (p.Arg721Gly)

Gene: LONP1 (lon peptidase 1, mitochondrial; minus strand). Cytogenetic location: 19p13.3.
Variant type: single nucleotide variant.
Coding change: c.2161C>G on transcript NM_004793.4 (MANE Select); coding-DNA position 2161, C replaced by G.
Protein change: p.Arg721Gly; replaces arginine 721 with glycine.
Molecular consequence: missense variant. On other transcripts: non-coding transcript variant (1).
Genome position (GRCh38, 1-based): chr19:5,694,546, G>C on the plus strand (C>G on the coding strand, the complement: LONP1 is on the minus strand). VCF-style: chr19-5694546-G-C. GRCh37 (hg19) VCF-style: chr19-5694557-G-C.
Other names: c.1969C>G, p.Arg657Gly (NM_001276479.2); c.1573C>G, p.Arg525Gly (NM_001276480.1); short protein forms R721G, R525G, R657G.
Identifiers: ClinVar variation 1367756 (VCV001367756.8), dbSNP rs147588238, ClinGen allele CA9114237.

ClinVar aggregate classification (germline): Uncertain significance (1 of 4 stars; one submission).

Allele frequency attached by ClinVar (database versions not stated): ESP Exome Variant Server 0.00008.
gnomAD v4.1: 50 of 1,612,092 alleles (0.0031%); highest among the groups gnomAD compares: Non-Finnish European, 0.0012%; no homozygotes.

Submission:

Labcorp Genetics (formerly Invitae), Labcorp
Classification: Uncertain significance. Last evaluated: 2025-03-10. Review status: criteria provided, single submitter. Criteria: Invitae Variant Classification Sherloc (09022015). Collection method: clinical testing. Allele origin: germline.
Comment: This sequence change replaces arginine, which is basic and polar, with glycine, which is neutral and non-polar, at codon 721 of the LONP1 protein (p.Arg721Gly). This variant is present in population databases (rs147588238, gnomAD 0.002%). This missense change has been observed in individual(s) with CODAS syndrome (PMID: 25574826). ClinVar contains an entry for this variant (Variation ID: 1367756). Invitae Evidence Modeling of protein sequence and biophysical properties (such as structural, functional, and spatial information, amino acid conservation, physicochemical variation, residue mobility, and thermodynamic stability) has been performed for this missense variant. However, the output from this modeling did not meet the statistical confidence thresholds required to predict the impact of this variant on LONP1 protein function. Experimental studies have shown that this missense change affects LONP1 function (PMID: 25574826, 33431889, 34228963). In summary, the available evidence is currently insufficient to determine the role of this variant in disease. Therefore, it has been classified as a Variant of Uncertain Significance.

Literature cited by the submitters: PubMed 25574826; PubMed 33431889; PubMed 34228963.